The following is an entry in ClinVar:

NM_133261.3(GIPC3):c.319C>T (p.Arg107Ter)

Gene: GIPC3 (GIPC PDZ domain containing family member 3; plus strand). Cytogenetic location: 19p13.3.
Variant type: single nucleotide variant.
Coding change: c.319C>T on transcript NM_133261.3 (MANE Select); coding-DNA position 319, C replaced by T.
Protein change: p.Arg107Ter; replaces arginine 107 with a stop codon.
Molecular consequence: nonsense.
Genome position (GRCh38, 1-based): chr19:3,586,588, C>T. VCF-style: chr19-3586588-C-T. GRCh37 (hg19) VCF-style: chr19-3586586-C-T.
Other names: c.319C>T, p.Arg107Ter (NM_001411144.1); short protein forms R107*.
Identifiers: ClinVar variation 4983885 (VCV004983885.1).

ClinVar aggregate classification (germline): Likely pathogenic (1 of 4 stars; one submission).

Conditions:
GIPC3-related disorder. Also called: GIPC3-related condition.

Submission:

PreventionGenetics, part of Exact Sciences
Classification: Likely pathogenic for GIPC3-related condition. Last evaluated: 2026-07-30. Review status: criteria provided, single submitter. Criteria: ACMG Guidelines, 2015. Collection method: clinical testing. Allele origin: germline.
Comment: The GIPC3 c.319C>T variant is predicted to result in premature protein termination (p.Arg107*). To our knowledge, this variant has not been reported in the literature. This variant is reported in 0.00088% of alleles in individuals of European (Non-Finnish) descent in gnomAD. Nonsense variants in GIPC3 are expected to be pathogenic. This variant is interpreted as likely pathogenic.